The following is an entry in ClinVar:

NM_001939.3(DRP2):c.1693C>T (p.Arg565Cys)

Gene: DRP2 (dystrophin related protein 2; plus strand). Cytogenetic location: Xq22.1.
Variant type: single nucleotide variant.
Coding change: c.1693C>T on transcript NM_001939.3 (MANE Select); coding-DNA position 1693, C replaced by T.
Protein change: p.Arg565Cys; replaces arginine 565 with cysteine.
Molecular consequence: missense variant.
Genome position (GRCh38, 1-based): chrX:101,250,575, C>T. VCF-style: chrX-101250575-C-T. GRCh37 (hg19) VCF-style: chrX-100505564-C-T.
Other names: c.1693C>T (NM_001939.2); c.1459C>T, p.Arg487Cys (NM_001171184.2); short protein forms R565C, R487C.
Identifiers: ClinVar variation 1907668 (VCV001907668.6), dbSNP rs925364201, ClinGen allele CA333091177.

ClinVar aggregate classification (germline): Uncertain significance. Review status: criteria provided, multiple submitters, no conflicts (2 of 4 stars). 2 submissions from 2 submitters: Uncertain significance (2). Last evaluated 2023-12-12.

Allele frequency attached by ClinVar (database versions not stated): gnomAD exomes below 0.00001; gnomAD 0.00001; TOPMed 0.00001.
gnomAD v4.1: 3 of 1,190,397 alleles (0.00025%); highest among the groups gnomAD compares: East Asian, 0.003%; no homozygotes.

Submissions (2):

Ambry Genetics
Classification: Uncertain significance. Last evaluated: 2023-12-12. Review status: criteria provided, single submitter. Criteria: Ambry Variant Classification Scheme 2023. Collection method: clinical testing. Allele origin: germline.

Labcorp Genetics (formerly Invitae), Labcorp
Classification: Uncertain significance. Last evaluated: 2022-06-29. Review status: criteria provided, single submitter. Criteria: Invitae Variant Classification Sherloc (09022015). Collection method: clinical testing. Allele origin: germline.
Comment: In summary, the available evidence is currently insufficient to determine the role of this variant in disease. Therefore, it has been classified as a Variant of Uncertain Significance. Algorithms developed to predict the effect of missense changes on protein structure and function (SIFT, PolyPhen-2, Align-GVGD) all suggest that this variant is likely to be disruptive. This variant has not been reported in the literature in individuals affected with DRP2-related conditions. This variant is not present in population databases (gnomAD no frequency). This sequence change replaces arginine, which is basic and polar, with cysteine, which is neutral and slightly polar, at codon 565 of the DRP2 protein (p.Arg565Cys).